The following is an entry in ClinVar:

ClinVar aggregate classification (germline): Uncertain significance (1 of 4 stars; one submission).

Allele frequency attached by ClinVar (database versions not stated): ExAC 0.00001; gnomAD 0.00001; 1000 Genomes Project 30x 0.00021; 1000 Genomes Project 0.00026.
gnomAD v4.1: 2 of 1,209,217 alleles (0.00017%); highest among the groups gnomAD compares: African/African-American, 0.0017%; no homozygotes.

Submission:

GeneDx
Classification: Uncertain significance. Last evaluated: 2019-08-05. Review status: criteria provided, single submitter. Criteria: GeneDx Variant Classification Process June 2021. Collection method: clinical testing. Allele origin: germline. Affected: yes.
Comment: In silico analysis, which includes protein predictors and evolutionary conservation, supports a deleterious effect; Has not been previously published as pathogenic or benign to our knowledge

NM_001111125.3(IQSEC2):c.2329G>A (p.Glu777Lys)

Gene: IQSEC2 (IQ motif and Sec7 domain ArfGEF 2; minus strand). Cytogenetic location: Xp11.22.
Variant type: single nucleotide variant.
Coding change: c.2329G>A on transcript NM_001111125.3 (MANE Select); coding-DNA position 2329, G replaced by A.
Protein change: p.Glu777Lys; replaces glutamic acid 777 with lysine.
Molecular consequence: missense variant.
Genome position (GRCh38, 1-based): chrX:53,248,851, C>T on the plus strand (G>A on the coding strand, the complement: IQSEC2 is on the minus strand). VCF-style: chrX-53248851-C-T. GRCh37 (hg19) VCF-style: chrX-53278033-C-T.
Other names: c.1714G>A, p.Glu572Lys (NM_015075.2); short protein forms E572K, E777K.
Identifiers: ClinVar variation 1302358 (VCV001302358.2), dbSNP rs782517076, ClinGen allele CA10419947.